The following is an entry in ClinVar:

ClinVar aggregate classification (germline): Uncertain significance (1 of 4 stars; one submission).

Submission:

Labcorp Genetics (formerly Invitae), Labcorp
Classification: Uncertain significance. Last evaluated: 2021-02-24. Review status: criteria provided, single submitter. Criteria: Invitae Variant Classification Sherloc (09022015). Collection method: clinical testing. Allele origin: germline.
Comment: This sequence change replaces proline with threonine at codon 84 of the CABP4 protein (p.Pro84Thr). The proline residue is weakly conserved and there is a small physicochemical difference between proline and threonine. This variant is not present in population databases (ExAC no frequency). This variant has not been reported in the literature in individuals with CABP4-related conditions. Advanced modeling of protein sequence and biophysical properties (such as structural, functional, and spatial information, amino acid conservation, physicochemical variation, residue mobility, and thermodynamic stability) performed at Invitae indicates that this missense variant is not expected to disrupt CABP4 protein function. In summary, the available evidence is currently insufficient to determine the role of this variant in disease. Therefore, it has been classified as a Variant of Uncertain Significance.

NM_145200.5(CABP4):c.250C>A (p.Pro84Thr)

Gene: CABP4 (calcium binding protein 4; plus strand). Cytogenetic location: 11q13.2.
Variant type: single nucleotide variant.
Coding change: c.250C>A on transcript NM_145200.5 (MANE Select); coding-DNA position 250, C replaced by A.
Protein change: p.Pro84Thr; replaces proline 84 with threonine.
Molecular consequence: missense variant. On other transcripts: 5 prime UTR variant (2), non-coding transcript variant (1), intron variant (1).
Genome position (GRCh38, 1-based): chr11:67,455,673, C>A. VCF-style: chr11-67455673-C-A. GRCh37 (hg19) VCF-style: chr11-67223144-C-A.
Other names: c.-134C>A (NM_001300895.3); c.-148C>A (NM_001379183.1); c.-112-36C>A (NM_001300896.3); short protein forms P84T.
Identifiers: ClinVar variation 1465052 (VCV001465052.8), dbSNP rs1217957173, ClinGen allele CA381527412.
Genomic context (GRCh38, chr11:67,455,673, plus strand): 5'-CCCGAGGCCCCGGGGAGCAGCAATAACCCTCCCAGCACTGGAGAGGGGCCGGCGGGCGCA[C>A]CCCCTGCATCCCCTGGGCCGGCCTCTTCTCGCCAGTCCCACCGACATCGTCCTGACTCCC-3'
Protein context (NP_660201.1, residues 74-94): PSTGEGPAGA[Pro84Thr]PASPGPASSR